The following is an entry in ClinVar:

ClinVar aggregate classification (germline): Uncertain significance. Review status: criteria provided, multiple submitters, no conflicts (2 of 4 stars). 2 submissions from 2 submitters: Uncertain significance (2). Last evaluated 2024-07-31.

Allele frequency attached by ClinVar (database versions not stated): gnomAD exomes below 0.00001.
gnomAD v4.1: 1 of 1,613,966 alleles (0.000062%); highest among the groups gnomAD compares: Non-Finnish European, 0.000085%; no homozygotes.

Submissions (2):

Labcorp Genetics (formerly Invitae), Labcorp
Classification: Uncertain significance. Last evaluated: 2024-07-31. Review status: criteria provided, single submitter. Criteria: Invitae Variant Classification Sherloc (09022015). Collection method: clinical testing. Allele origin: germline.
Comment: This sequence change replaces arginine, which is basic and polar, with tryptophan, which is neutral and slightly polar, at codon 50 of the RPL31 protein (p.Arg50Trp). This variant is not present in population databases (gnomAD no frequency). This variant has not been reported in the literature in individuals affected with RPL31-related conditions. ClinVar contains an entry for this variant (Variation ID: 2603586). An algorithm developed to predict the effect of missense changes on protein structure and function (PolyPhen-2) suggests that this variant is likely to be tolerated. In summary, the available evidence is currently insufficient to determine the role of this variant in disease. Therefore, it has been classified as a Variant of Uncertain Significance.

Ambry Genetics
Classification: Uncertain significance. Last evaluated: 2023-06-29. Review status: criteria provided, single submitter. Criteria: Ambry Variant Classification Scheme 2023. Collection method: clinical testing. Allele origin: germline.

NM_000993.5(RPL31):c.148C>T (p.Arg50Trp)

Gene: RPL31 (ribosomal protein L31; plus strand). Cytogenetic location: 2q11.2.
Variant type: single nucleotide variant.
Coding change: c.148C>T on transcript NM_000993.5 (MANE Select); coding-DNA position 148, C replaced by T.
Protein change: p.Arg50Trp; replaces arginine 50 with tryptophan.
Molecular consequence: missense variant.
Genome position (GRCh38, 1-based): chr2:101,004,198, C>T. VCF-style: chr2-101004198-C-T. GRCh37 (hg19) VCF-style: chr2-101620660-C-T.
Other names: c.148C>T, p.Arg50Trp (NM_001098577.3, NM_001098578.1, NM_001099693.2); short protein forms R50W.
Identifiers: ClinVar variation 2603586 (VCV002603586.5), dbSNP rs2466872354, ClinGen allele CA347901113.